The following is an entry in ClinVar:

ClinVar aggregate classification (germline): Uncertain significance. Review status: criteria provided, multiple submitters, no conflicts (2 of 4 stars). 7 submissions from 7 submitters: Uncertain significance (6). 1 of the submissions does not count toward it. Last evaluated 2025-09-05.

Conditions:
Hereditary cancer-predisposing syndrome. Also called: Hereditary Cancer Syndrome; Hereditary neoplastic syndrome; Neoplastic Syndromes, Hereditary; Tumor predisposition. Identifiers: Orphanet 140162, MedGen C0027672, MeSH D009386, MONDO:0015356.
Familial adenomatous polyposis 1 (FAP1). Also called: FAMILIAL ADENOMATOUS POLYPOSIS 1, ATTENUATED; POLYPOSIS, ADENOMATOUS INTESTINAL. Identifiers: MedGen C2713442, MONDO:0021056, OMIM 175100. Disease mechanism: loss of function.

gnomAD v4.1: 1 of 1,614,032 alleles (0.000062%); highest among the groups gnomAD compares: South Asian, 0.0011%; no homozygotes.

Submissions (7):

Labcorp Genetics (formerly Invitae), Labcorp
Classification: Uncertain significance for Familial adenomatous polyposis 1. Last evaluated: 2025-09-05. Review status: criteria provided, single submitter. Criteria: Invitae Variant Classification Sherloc (09022015). Collection method: clinical testing. Allele origin: germline.
Comment: This sequence change replaces proline, which is neutral and non-polar, with leucine, which is neutral and non-polar, at codon 2467 of the APC protein (p.Pro2467Leu). This variant is present in population databases (rs758713824, gnomAD 0.003%). This variant has not been reported in the literature in individuals affected with APC-related conditions. ClinVar contains an entry for this variant (Variation ID: 216178). Invitae Evidence Modeling of protein sequence and biophysical properties (such as structural, functional, and spatial information, amino acid conservation, physicochemical variation, residue mobility, and thermodynamic stability) indicates that this missense variant is not expected to disrupt APC protein function with a negative predictive value of 95%. In summary, the available evidence is currently insufficient to determine the role of this variant in disease. Therefore, it has been classified as a Variant of Uncertain Significance.

Ambry Genetics
Classification: Uncertain significance for Hereditary cancer-predisposing syndrome. Last evaluated: 2025-09-03. Review status: criteria provided, single submitter. Criteria: Ambry Variant Classification Scheme 2023. Collection method: clinical testing. Allele origin: germline.
Comment: The p.P2467L variant (also known as c.7400C>T), located in coding exon 15 of the APC gene, results from a C to T substitution at nucleotide position 7400. The proline at codon 2467 is replaced by leucine, an amino acid with similar properties. This amino acid position is well conserved in available vertebrate species. In addition, in silico predictors for this gene do not accurately predict pathogenicity. Missense alterations in APC are not a common cause of disease (Spier I et al. Genet Med. 2024 Feb;26(2):100992). Based on the available evidence, the clinical significance of this variant remains unclear.

Color Diagnostics, LLC DBA Color Health
Classification: Uncertain significance for Hereditary cancer-predisposing syndrome. Last evaluated: 2024-05-31. Review status: criteria provided, single submitter. Criteria: ACMG Guidelines, 2015. Collection method: clinical testing. Allele origin: germline.
Comment: This missense variant replaces proline with leucine at codon 2467 of the APC protein. Computational prediction suggests that this variant may not impact protein structure and function (internally defined REVEL score threshold <= 0.5, PMID: 27666373). To our knowledge, functional studies have not been reported for this variant. This variant has not been reported in individuals affected with APC-related disorders in the literature. This variant has been identified in 1/251118 chromosomes in the general population by the Genome Aggregation Database (gnomAD). The available evidence is insufficient to determine the role of this variant in disease conclusively. Therefore, this variant is classified as a Variant of Uncertain Significance.

Women's Health and Genetics/Laboratory Corporation of America, LabCorp
Classification: Uncertain significance. Last evaluated: 2023-08-11. Review status: criteria provided, single submitter. Criteria: LabCorp Variant Classification Summary - May 2015. Collection method: clinical testing. Allele origin: germline.
Comment: Variant summary: APC c.7400C>T (p.Pro2467Leu) results in a non-conservative amino acid change located in the Adenomatous polyposis coli protein basic domain (IPR009234) of the encoded protein sequence. Five of five in-silico tools predict a damaging effect of the variant on protein function. The variant allele was found at a frequency of 4e-06 in 251118 control chromosomes (gnomAD). The available data on variant occurrences in the general population are insufficient to allow any conclusion about variant significance. c.7400C>T has been reported in the literature (Rosenbluh_2016). This report does not provide unequivocal conclusions about association of the variant with Familial Adenomatous Polyposis. To our knowledge, no experimental evidence demonstrating an impact on protein function has been reported. The following publication has been ascertained in the context of this evaluation (PMID: 27684187). Six submitters have cited clinical-significance assessments for this variant to ClinVar after 2014. All submitters classified the variant as uncertain significance. Based on the evidence outlined above, the variant was classified as uncertain significance.

GeneDx
Classification: Uncertain significance. Last evaluated: 2023-03-31. Review status: criteria provided, single submitter. Criteria: GeneDx Variant Classification Process June 2021. Collection method: clinical testing. Allele origin: germline. Affected: yes.
Comment: Not observed at significant frequency in large population cohorts (gnomAD); In silico analysis supports that this missense variant does not alter protein structure/function; Has not been previously published as pathogenic or benign to our knowledge; This variant is associated with the following publications: (PMID: 27684187)

Myriad Genetics, Inc.
Classification: Uncertain significance for Familial adenomatous polyposis 1. Last evaluated: 2023-02-15. Review status: criteria provided, single submitter. Criteria: Myriad Autosomal Dominant, Autosomal Recessive and X-Linked Classification Criteria (2023). Collection method: clinical testing. Allele origin: unknown.
Comment: This variant is classified as a variant of uncertain significance as there is insufficient evidence to determine its impact on protein function and/or cancer risk.

Counsyl
Classification: Uncertain significance for Familial adenomatous polyposis 1. Last evaluated: 2016-02-10. Review status: no assertion criteria provided. Collection method: clinical testing. Allele origin: unknown. Not counted in ClinVar's aggregate classification.

Literature cited by the submitters: PubMed 27684187 (cited by Women's Health and Genetics/Laboratory Corporation of America, LabCorp).

NM_000038.6(APC):c.7400C>T (p.Pro2467Leu)

Gene: APC (APC regulator of Wnt signaling pathway; plus strand). Cytogenetic location: 5q22.2.
Variant type: single nucleotide variant.
Coding change: c.7400C>T on transcript NM_000038.6 (MANE Select); coding-DNA position 7400, C replaced by T.
Protein change: p.Pro2467Leu; replaces proline 2467 with leucine.
Molecular consequence: missense variant.
Genome position (GRCh38, 1-based): chr5:112,842,994, C>T. VCF-style: chr5-112842994-C-T. GRCh37 (hg19) VCF-style: chr5-112178691-C-T.
Other names: c.7223C>T, p.Pro2408Leu (NM_001354901.2); c.7097C>T, p.Pro2366Leu (NM_001354903.2); c.7022C>T, p.Pro2341Leu (NM_001354904.2); c.6920C>T, p.Pro2307Leu (NM_001354905.2); c.7277C>T, p.Pro2426Leu (NM_001354900.2); c.7127C>T, p.Pro2376Leu (NM_001354902.2); c.7316C>T, p.Pro2439Leu (NM_001354899.2); c.7400C>T, p.Pro2467Leu (NM_001127510.3, NM_001354895.2); and 5 more; short protein forms P2449L, P2467L, P2184L, P2442L, P2477L, P2366L, P2408L, P2426L.
Identifiers: ClinVar variation 216178 (VCV000216178.27), dbSNP rs758713824, ClinGen allele CA047974.